The following is an entry in ClinVar:

ClinVar aggregate classification (germline): Uncertain significance (1 of 4 stars; one submission).

gnomAD v4.1: 1 of 1,614,000 alleles (0.000062%); highest among the groups gnomAD compares: Admixed American, 0.0017%; no homozygotes.

Submission:

Labcorp Genetics (formerly Invitae), Labcorp
Classification: Uncertain significance. Last evaluated: 2023-08-24. Review status: criteria provided, single submitter. Criteria: Invitae Variant Classification Sherloc (09022015). Collection method: clinical testing. Allele origin: germline.
Comment: ClinVar contains an entry for this variant (Variation ID: 2044444). This variant has not been reported in the literature in individuals affected with MSTO1-related conditions. This variant is present in population databases (no rsID available, gnomAD 0.003%). This sequence change replaces proline, which is neutral and non-polar, with threonine, which is neutral and polar, at codon 299 of the MSTO1 protein (p.Pro299Thr). In summary, the available evidence is currently insufficient to determine the role of this variant in disease. Therefore, it has been classified as a Variant of Uncertain Significance. Advanced modeling of protein sequence and biophysical properties (such as structural, functional, and spatial information, amino acid conservation, physicochemical variation, residue mobility, and thermodynamic stability) performed at Invitae indicates that this missense variant is expected to disrupt MSTO1 protein function.

NM_018116.4(MSTO1):c.895C>A (p.Pro299Thr)

Gene: MSTO1 (misato mitochondrial distribution and morphology regulator 1; plus strand). Cytogenetic location: 1q22.
Variant type: single nucleotide variant.
Coding change: c.895C>A on transcript NM_018116.4 (MANE Select); coding-DNA position 895, C replaced by A.
Protein change: p.Pro299Thr; replaces proline 299 with threonine.
Molecular consequence: missense variant. On other transcripts: non-coding transcript variant (6).
Genome position (GRCh38, 1-based): chr1:155,612,499, C>A. VCF-style: chr1-155612499-C-A. GRCh37 (hg19) VCF-style: chr1-155582290-C-A.
Other names: c.895C>A, p.Pro299Thr (NM_001256532.1, NM_001256533.1, NM_001350772.1 and 3 more transcripts); c.730C>A, p.Pro244Thr (NM_001350776.1); c.364C>A, p.Pro122Thr (NM_001350777.1, NM_001350778.1, NM_001350779.1); c.361C>A, p.Pro121Thr (NM_001350780.1, NM_001350781.1, NM_001350782.1 and 3 more transcripts); c.352C>A, p.Pro118Thr (NM_001350784.1, NM_001350785.1, NM_001350787.1 and 1 more transcripts); short protein forms P121T, P122T, P244T, P299T, P118T.
Identifiers: ClinVar variation 2044444 (VCV002044444.4), dbSNP rs1291901635, ClinGen allele CA342758965.